The following is an entry in ClinVar:

ClinVar aggregate classification (germline): Uncertain significance. Review status: criteria provided, multiple submitters, no conflicts (2 of 4 stars). 5 submissions from 5 submitters: Uncertain significance (5). Last evaluated 2026-03-12.

Conditions:
Cardiovascular phenotype. Identifiers: MedGen CN230736.
Dilated cardiomyopathy 1DD (CMD1DD). Identifiers: Orphanet 154, MedGen C2750995, MONDO:0013168, OMIM 613172.

Allele frequency attached by ClinVar (database versions not stated): TOPMed 0.00001; ExAC 0.00007; gnomAD exomes 0.00001.
gnomAD v4.1: 12 of 1,546,244 alleles (0.00078%); highest among the groups gnomAD compares: Non-Finnish European, 0.001%; no homozygotes.

Submissions (5):

GeneDx
Classification: Uncertain significance. Last evaluated: 2026-03-12. Review status: criteria provided, single submitter. Criteria: GeneDx Variant Classification Process June 2021. Collection method: clinical testing. Allele origin: germline.
Comment: Not observed at significant frequency in large population cohorts (gnomAD); In silico analysis suggests that this missense variant does not alter protein structure/function; Has not been previously published as pathogenic or benign to our knowledge

Labcorp Genetics (formerly Invitae), Labcorp
Classification: Uncertain significance for Dilated cardiomyopathy 1DD. Last evaluated: 2025-10-15. Review status: criteria provided, single submitter. Criteria: Invitae Variant Classification Sherloc (09022015). Collection method: clinical testing. Allele origin: germline.
Comment: This sequence change replaces arginine, which is basic and polar, with serine, which is neutral and polar, at codon 632 of the RBM20 protein (p.Arg632Ser). This variant is present in population databases (rs767451635, gnomAD 0.002%). This variant has not been reported in the literature in individuals affected with RBM20-related conditions. ClinVar contains an entry for this variant (Variation ID: 1035442). Invitae Evidence Modeling of protein sequence and biophysical properties (such as structural, functional, and spatial information, amino acid conservation, physicochemical variation, residue mobility, and thermodynamic stability) has been performed for this missense variant. However, the output from this modeling did not meet the statistical confidence thresholds required to predict the impact of this variant on RBM20 protein function. In summary, the available evidence is currently insufficient to determine the role of this variant in disease. Therefore, it has been classified as a Variant of Uncertain Significance.

Blueprint Genetics
Classification: Uncertain significance. Last evaluated: 2024-10-23. Review status: criteria provided, single submitter. Criteria: ACMG Guidelines, 2015. Collection method: clinical testing. Allele origin: germline.

Ambry Genetics
Classification: Uncertain significance for Cardiovascular phenotype. Last evaluated: 2022-04-18. Review status: criteria provided, single submitter. Criteria: Ambry Variant Classification Scheme 2023. Collection method: clinical testing. Allele origin: germline.
Comment: The p.R632S variant (also known as c.1896G>C), located in coding exon 9 of the RBM20 gene, results from a G to C substitution at nucleotide position 1896. The arginine at codon 632 is replaced by serine, an amino acid with dissimilar properties. This amino acid position is highly conserved in available vertebrate species. In addition, this alteration is predicted to be deleterious by in silico analysis. Since supporting evidence is limited at this time, the clinical significance of this alteration remains unclear.

Fulgent Genetics
Classification: Uncertain significance for Dilated cardiomyopathy 1DD. Last evaluated: 2021-11-22. Review status: criteria provided, single submitter. Criteria: ACMG Guidelines, 2015. Collection method: clinical testing. Allele origin: unknown.

NM_001134363.3(RBM20):c.1896G>C (p.Arg632Ser)

Gene: RBM20 (RNA binding motif protein 20; plus strand). Cytogenetic location: 10q25.2.
Variant type: single nucleotide variant.
Coding change: c.1896G>C on transcript NM_001134363.3 (MANE Select); coding-DNA position 1896, G replaced by C.
Protein change: p.Arg632Ser; replaces arginine 632 with serine.
Molecular consequence: missense variant.
Genome position (GRCh38, 1-based): chr10:110,812,293, G>C. VCF-style: chr10-110812293-G-C. GRCh37 (hg19) VCF-style: chr10-112572051-G-C.
Other names: short protein forms R632S.
Identifiers: ClinVar variation 1035442 (VCV001035442.13), dbSNP rs767451635, ClinGen allele CA5688648.